The following is an entry in ClinVar:

ClinVar aggregate classification (germline): Uncertain significance (1 of 4 stars; one submission).

Submission:

ISCA site 15
Classification: Uncertain significance. Last evaluated: 2011-08-12. Review status: criteria provided, single submitter. Criteria: Kaminsky et al. (Genet Med. 2011). Collection method: clinical testing. Allele origin: de novo. Affected: yes. Observed: 1 variant allele.
Comment: Copy number variation identified through the course of routine clinical cytogenomic testing in postnatal populations. Clinical assertions have been curated as described in Kaminsky et al. 2011.

GRCh38/hg38 16p13.11-12.3(chr16:15398460-18047194)x3

Genes: ABCC1 (ATP binding cassette subfamily C member 1 (ABCC1 blood group); plus strand), ABCC6 (ATP binding cassette subfamily C member 6; minus strand), BMERB1 (bMERB domain containing 1; plus strand), CEP20 (centrosomal protein 20; minus strand), MARF1 (meiosis regulator and mRNA stability factor 1; minus strand) and 62 more. Cytogenetic location: 16p13.11-12.3.
Variant type: copy number gain.
Change: copy number 3 (three copies instead of two) of chr16:15,398,460-18,047,194 (2.65 Mb, GRCh38 coordinates, 1-based), cytogenetic band 16p13.11-12.3.
Identifiers: ClinVar variation 59277 (VCV000059277.1).